The following is an entry in ClinVar:

NM_006397.3(RNASEH2A):c.782A>C (p.Asn261Thr)

Gene: RNASEH2A (ribonuclease H2 subunit A; plus strand). Cytogenetic location: 19p13.13.
Variant type: single nucleotide variant.
Coding change: c.782A>C on transcript NM_006397.3 (MANE Select); coding-DNA position 782, A replaced by C.
Protein change: p.Asn261Thr; replaces asparagine 261 with threonine.
Molecular consequence: missense variant.
Genome position (GRCh38, 1-based): chr19:12,813,348, A>C. VCF-style: chr19-12813348-A-C. GRCh37 (hg19) VCF-style: chr19-12924162-A-C.
Other names: short protein forms N261T.
Identifiers: ClinVar variation 4726269 (VCV004726269.1).

ClinVar aggregate classification (germline): Uncertain significance (1 of 4 stars; one submission).

Conditions:
Aicardi-Goutieres syndrome 4. Identifiers: Orphanet 51, MedGen C1835912, MONDO:0012472, OMIM 610333.

Submission:

Labcorp Genetics (formerly Invitae), Labcorp
Classification: Uncertain significance for Aicardi-Goutieres syndrome 4. Last evaluated: 2025-08-29. Review status: criteria provided, single submitter. Criteria: Invitae Variant Classification Sherloc (09022015). Collection method: clinical testing. Allele origin: germline.
Comment: This sequence change replaces asparagine, which is neutral and polar, with threonine, which is neutral and polar, at codon 261 of the RNASEH2A protein (p.Asn261Thr). This variant is not present in population databases (gnomAD no frequency). This variant has not been reported in the literature in individuals affected with RNASEH2A-related conditions. An algorithm developed to predict the effect of missense changes on protein structure and function (PolyPhen-2) suggests that this variant is likely to be tolerated. In summary, the available evidence is currently insufficient to determine the role of this variant in disease. Therefore, it has been classified as a Variant of Uncertain Significance.